The following is an entry in ClinVar:

ClinVar aggregate classification (germline): Uncertain significance. Review status: criteria provided, multiple submitters, no conflicts (2 of 4 stars). 3 submissions from 3 submitters: Uncertain significance (3). Last evaluated 2026-02-25.

Conditions:
TTN-related disorder. Also called: TTN-related disorders; TTN-related condition; TTN-related disease.
Tibial muscular dystrophy (TMD). Also called: UDD MYOPATHY; Udd Distal Myopathy – Tibial Muscular Dystrophy; Tibial muscular dystrophy, tardive. Identifiers: Orphanet 609, MedGen C1838244, MONDO:0010870, OMIM 600334.
Early-onset myopathy with fatal cardiomyopathy (CMYO5). Also called: CONGENITAL MYOPATHY 5 WITH CARDIOMYOPATHY; Salih Myopathy. Identifiers: Orphanet 289377, MedGen C2673677, MONDO:0012714, OMIM 611705. Disease mechanism: loss of function.
Hypertrophic cardiomyopathy 9. Also called: Familial hypertrophic cardiomyopathy 9. Identifiers: MedGen C1861065, MONDO:0013412, OMIM 613765.
Autosomal recessive limb-girdle muscular dystrophy type 2J (LGMDR10). Also called: MUSCULAR DYSTROPHY, LIMB-GIRDLE, AUTOSOMAL RECESSIVE 10; Limb-girdle muscular dystrophy, type 2J. Identifiers: Orphanet 140922, MedGen C1837342, MONDO:0012127, OMIM 608807.
Myopathy, myofibrillar, 9, with early respiratory failure (MFM9). Also called: Myopathy, distal, with early respiratory failure, autosomal dominant; EDSTROM MYOPATHY; MYOPATHY, PROXIMAL, WITH EARLY RESPIRATORY MUSCLE INVOLVEMENT; Hereditary myopathy with early respiratory failure. Identifiers: Orphanet 178464, Orphanet 34521, MedGen C1863599, MONDO:0011362, OMIM 603689.
Dilated cardiomyopathy 1G (CMD1G). Identifiers: Orphanet 154, MedGen C1858763, MONDO:0011400, OMIM 604145.

Allele frequency attached by ClinVar (database versions not stated): gnomAD 0.00034 and 0.00035; 1000 Genomes Project 0.00060; 1000 Genomes Project 30x 0.00062; ExAC 0.00194; gnomAD exomes 0.00002 and 0.00010; TOPMed 0.00032.

Submissions (3):

PreventionGenetics, part of Exact Sciences
Classification: Uncertain significance for TTN-related condition. Last evaluated: 2026-02-25. Review status: criteria provided, single submitter. Criteria: ACMG Guidelines, 2015. Collection method: clinical testing. Allele origin: germline.
Comment: The TTN c.35921T>C variant is predicted to result in the amino acid substitution p.Met11974Thr. To our knowledge, this variant has not been reported in the literature. This variant is reported in 0.068% of alleles in individuals of African descent in gnomAD. Although we suspect that this variant may be benign, at this time, the clinical significance of this variant is uncertain due to the absence of conclusive functional and genetic evidence.

Fulgent Genetics
Classification: Uncertain significance for Tibial muscular dystrophy; Myopathy, myofibrillar, 9, with early respiratory failure; Dilated cardiomyopathy 1G; Autosomal recessive limb-girdle muscular dystrophy type 2J; Early-onset myopathy with fatal cardiomyopathy; Hypertrophic cardiomyopathy 9. Last evaluated: 2021-10-13. Review status: criteria provided, single submitter. Criteria: ACMG Guidelines, 2015. Collection method: clinical testing. Allele origin: unknown.

Laboratorio de Genetica e Diagnostico Molecular, Hospital Israelita Albert Einstein
Classification: Uncertain significance. Last evaluated: 2021-03-31. Review status: criteria provided, single submitter. Criteria: ACMG Guidelines, 2015. Collection method: clinical testing. Allele origin: germline. Affected: yes.

NM_001267550.2(TTN):c.35921T>C (p.Met11974Thr)

Gene: TTN (titin; minus strand). Cytogenetic location: 2q31.2.
Variant type: single nucleotide variant.
Coding change: c.35921T>C on transcript NM_001267550.2 (MANE Select); coding-DNA position 35921, T replaced by C.
Protein change: p.Met11974Thr; replaces methionine 11974 with threonine.
Molecular consequence: missense variant. On other transcripts: intron variant (5).
Genome position (GRCh38, 1-based): chr2:178,665,746, A>G on the plus strand (T>C on the coding strand, the complement: TTN is on the minus strand). VCF-style: chr2-178665746-A-G. GRCh37 (hg19) VCF-style: chr2-179530473-A-G.
Other names: c.13283-23429T>C (NM_003319.4); c.13859-23429T>C (NM_133437.4); c.13658-23429T>C (NM_133432.3); c.31484-2691T>C (NM_133378.4); c.34265-2691T>C (NM_001256850.1); short protein forms M11974T.
Identifiers: ClinVar variation 1691016 (VCV001691016.4), dbSNP rs535815566, ClinGen allele CA1997711.